The following is an entry in ClinVar:

NM_022168.4(IFIH1):c.904C>T (p.Pro302Ser)

Gene: IFIH1 (interferon induced with helicase C domain 1; minus strand). Cytogenetic location: 2q24.2.
Variant type: single nucleotide variant.
Coding change: c.904C>T on transcript NM_022168.4 (MANE Select); coding-DNA position 904, C replaced by T.
Protein change: p.Pro302Ser; replaces proline 302 with serine.
Molecular consequence: missense variant.
Genome position (GRCh38, 1-based): chr2:162,288,326, G>A on the plus strand (C>T on the coding strand, the complement: IFIH1 is on the minus strand). VCF-style: chr2-162288326-G-A. GRCh37 (hg19) VCF-style: chr2-163144836-G-A.
Other names: short protein forms P302S.
Identifiers: ClinVar variation 4794571 (VCV004794571.1).

ClinVar aggregate classification (germline): Uncertain significance (1 of 4 stars; one submission).

Conditions:
Aicardi-Goutieres syndrome 7 (AGS7). Identifiers: Orphanet 51, MedGen C3888244, MONDO:0014367, OMIM 615846.
Singleton-Merten syndrome 1 (SGMRT1). Also called: Widened medullary cavities of bone, aortic calcification, abnormal dentition, and muscular weakness; Syndrome of widened medullary cavities of the metacarpals and phalanges, aortic calcification and abnormal dentition. Identifiers: Orphanet 85191, MedGen C4225427, MONDO:0024535, OMIM 182250.

gnomAD v4.1: 3 of 1,612,584 alleles (0.00019%); highest among the groups gnomAD compares: South Asian, 0.0033%; 1 homozygote.

Submission:

Labcorp Genetics (formerly Invitae), Labcorp
Classification: Uncertain significance for Aicardi-Goutieres syndrome 7; Singleton-Merten syndrome 1. Last evaluated: 2025-06-25. Review status: criteria provided, single submitter. Criteria: Invitae Variant Classification Sherloc (09022015). Collection method: clinical testing. Allele origin: germline.
Comment: This sequence change replaces proline, which is neutral and non-polar, with serine, which is neutral and polar, at codon 302 of the IFIH1 protein (p.Pro302Ser). This variant is present in population databases (rs760951493, gnomAD 0.003%). This variant has not been reported in the literature in individuals affected with IFIH1-related conditions. Invitae Evidence Modeling of protein sequence and biophysical properties (such as structural, functional, and spatial information, amino acid conservation, physicochemical variation, residue mobility, and thermodynamic stability) has been performed for this missense variant. However, the output from this modeling did not meet the statistical confidence thresholds required to predict the impact of this variant on IFIH1 protein function. In summary, the available evidence is currently insufficient to determine the role of this variant in disease. Therefore, it has been classified as a Variant of Uncertain Significance.